The following is an entry in ClinVar:

ClinVar aggregate classification (germline): Conflicting classifications of pathogenicity. Review status: criteria provided, conflicting classifications (1 of 4 stars). 3 submissions from 3 submitters: Uncertain significance (2); Likely benign (1). Last evaluated 2023-05-03.

Conditions:
Inborn genetic diseases. Identifiers: MedGen C0950123, MeSH D030342.

Allele frequency attached by ClinVar (database versions not stated): gnomAD 0.00002; gnomAD exomes 0.00002 and 0.00006; TOPMed 0.00002; ExAC 0.00005.

Submissions (3):

Ambry Genetics
Classification: Likely benign for Inborn genetic diseases. Last evaluated: 2023-05-03. Review status: criteria provided, single submitter. Criteria: Ambry Variant Classification Scheme 2023. Collection method: clinical testing. Allele origin: germline.

Labcorp Genetics (formerly Invitae), Labcorp
Classification: Uncertain significance. Last evaluated: 2022-06-08. Review status: criteria provided, single submitter. Criteria: Invitae Variant Classification Sherloc (09022015). Collection method: clinical testing. Allele origin: germline.
Comment: This sequence change replaces asparagine, which is neutral and polar, with serine, which is neutral and polar, at codon 92 of the ERCC2 protein (p.Asn92Ser). This variant is present in population databases (rs780965895, gnomAD 0.06%). This variant has not been reported in the literature in individuals affected with ERCC2-related conditions. ClinVar contains an entry for this variant (Variation ID: 435074). Algorithms developed to predict the effect of missense changes on protein structure and function output the following: SIFT: "Tolerated"; PolyPhen-2: "Benign"; Align-GVGD: "Class C0". The serine amino acid residue is found in multiple mammalian species, which suggests that this missense change does not adversely affect protein function. In summary, the available evidence is currently insufficient to determine the role of this variant in disease. Therefore, it has been classified as a Variant of Uncertain Significance.

Genetic Services Laboratory, University of Chicago
Classification: Uncertain significance. Last evaluated: 2015-08-13. Review status: criteria provided, single submitter. Criteria: ACMG Guidelines, 2015. Collection method: clinical testing. Allele origin: germline. Affected: no.

NM_000400.4(ERCC2):c.275A>G (p.Asn92Ser)

Gene: ERCC2 (ERCC excision repair 2, TFIIH core complex helicase subunit; minus strand). Cytogenetic location: 19q13.32.
Variant type: single nucleotide variant.
Coding change: c.275A>G on transcript NM_000400.4 (MANE Select); coding-DNA position 275, A replaced by G.
Protein change: p.Asn92Ser; replaces asparagine 92 with serine.
Molecular consequence: missense variant.
Genome position (GRCh38, 1-based): chr19:45,368,715, T>C on the plus strand (A>G on the coding strand, the complement: ERCC2 is on the minus strand). VCF-style: chr19-45368715-T-C. GRCh37 (hg19) VCF-style: chr19-45871973-T-C.
Other names: c.203A>G, p.Asn68Ser (NM_001130867.2); short protein forms N92S, N68S.
Identifiers: ClinVar variation 435074 (VCV000435074.9), dbSNP rs780965895, ClinGen allele CA9513840.